The following is an entry in ClinVar:

NM_000327.4(ROM1):c.541C>G (p.Gln181Glu)

Gene: ROM1 (retinal outer segment membrane protein 1; plus strand). Cytogenetic location: 11q12.3.
Variant type: single nucleotide variant.
Coding change: c.541C>G on transcript NM_000327.4 (MANE Select); coding-DNA position 541, C replaced by G.
Protein change: p.Gln181Glu; replaces glutamine 181 with glutamic acid.
Molecular consequence: missense variant.
Genome position (GRCh38, 1-based): chr11:62,613,822, C>G. VCF-style: chr11-62613822-C-G. GRCh37 (hg19) VCF-style: chr11-62381294-C-G.
Other names: short protein forms Q181E.
Identifiers: ClinVar variation 847789 (VCV000847789.11), dbSNP rs779231313, ClinGen allele CA6049759.

ClinVar aggregate classification (germline): Uncertain significance. Review status: criteria provided, multiple submitters, no conflicts (2 of 4 stars). 2 submissions from 2 submitters: Uncertain significance (2). Last evaluated 2026-01-22.

Allele frequency attached by ClinVar (database versions not stated): gnomAD exomes 0.00001; ExAC 0.00002; gnomAD 0.00005 and 0.00006; TOPMed 0.00005.

Submissions (2):

Labcorp Genetics (formerly Invitae), Labcorp
Classification: Uncertain significance. Last evaluated: 2026-01-22. Review status: criteria provided, single submitter. Criteria: Invitae Variant Classification Sherloc (09022015). Collection method: clinical testing. Allele origin: germline.
Comment: This sequence change replaces glutamine, which is neutral and polar, with glutamic acid, which is acidic and polar, at codon 181 of the ROM1 protein (p.Gln181Glu). This variant is present in population databases (rs779231313, gnomAD 0.008%). This variant has not been reported in the literature in individuals affected with ROM1-related conditions. ClinVar contains an entry for this variant (Variation ID: 847789). Invitae Evidence Modeling of protein sequence and biophysical properties (such as structural, functional, and spatial information, amino acid conservation, physicochemical variation, residue mobility, and thermodynamic stability) indicates that this missense variant is not expected to disrupt ROM1 protein function with a negative predictive value of 80%. In summary, the available evidence is currently insufficient to determine the role of this variant in disease. Therefore, it has been classified as a Variant of Uncertain Significance.

Ambry Genetics
Classification: Uncertain significance. Last evaluated: 2021-10-06. Review status: criteria provided, single submitter. Criteria: Ambry Variant Classification Scheme 2023. Collection method: clinical testing. Allele origin: germline.